The following is an entry in ClinVar:

ClinVar aggregate classification (germline): Pathogenic/Likely pathogenic. Review status: criteria provided, multiple submitters, no conflicts (2 of 4 stars). 2 submissions from 2 submitters: Pathogenic (1); Likely pathogenic (1). Last evaluated 2025-01-14.

Conditions:
ABCC2-related disorder. Also called: ABCC2-related condition.

Submissions (2):

PreventionGenetics, part of Exact Sciences
Classification: Likely pathogenic for ABCC2-related condition. Last evaluated: 2025-01-14. Review status: criteria provided, single submitter. Criteria: ACMG Guidelines, 2015. Collection method: clinical testing. Allele origin: germline.
Comment: The ABCC2 c.3258+2T>A variant is predicted to disrupt the GT donor site and interfere with normal splicing. To our knowledge, this variant has not been reported in the literature or in a large population database (gnomAD), indicating this variant is rare. Alternative variant at the same splice site c.3258+1G>A has been observed together with second ABCC2 loss-of-function variant in an individual with Dubin-Johnson syndrome (Sticova et al. 2013. PubMed ID: 23429660) and this alternative variant was also observed in homozygous state in an individual with neonatal onset Dubin-Johnson syndrome (Al-Hussaini et al. 2021. PubMed ID: 34858902), suggesting this splice site is essential. Variants that disrupt the consensus splice donor site in ABCC2 are expected to be pathogenic. This variant is interpreted as likely pathogenic.

Labcorp Genetics (formerly Invitae), Labcorp
Classification: Pathogenic. Last evaluated: 2023-09-27. Review status: criteria provided, single submitter. Criteria: Invitae Variant Classification Sherloc (09022015). Collection method: clinical testing. Allele origin: germline.
Comment: Disruption of this splice site has been observed in individuals with clinical features of Dubin-Johnson syndrome (PMID: 23429660, 34858902). This variant is not present in population databases (gnomAD no frequency). This sequence change affects a donor splice site in intron 23 of the ABCC2 gene. It is expected to disrupt RNA splicing. Variants that disrupt the donor or acceptor splice site typically lead to a loss of protein function (PMID: 16199547), and loss-of-function variants in ABCC2 are known to be pathogenic (PMID: 9185779, 16549534, 16952291). For these reasons, this variant has been classified as Pathogenic. Algorithms developed to predict the effect of sequence changes on RNA splicing suggest that this variant may disrupt the consensus splice site.

Literature cited by the submitters: PubMed 23429660 (cited by Labcorp Genetics (formerly Invitae), Labcorp); PubMed 34858902 (cited by Labcorp Genetics (formerly Invitae), Labcorp); PubMed 16199547 (cited by Labcorp Genetics (formerly Invitae), Labcorp); PubMed 9185779 (cited by Labcorp Genetics (formerly Invitae), Labcorp); PubMed 16549534 (cited by Labcorp Genetics (formerly Invitae), Labcorp); PubMed 16952291 (cited by Labcorp Genetics (formerly Invitae), Labcorp).

NM_000392.5(ABCC2):c.3258+2T>A

Gene: ABCC2 (ATP binding cassette subfamily C member 2; plus strand). Cytogenetic location: 10q24.2.
Variant type: single nucleotide variant.
Coding change: c.3258+2T>A on transcript NM_000392.5 (MANE Select); the canonical splice donor site of the intron after coding-DNA position 3258, T replaced by A.
Molecular consequence: splice donor variant.
Genome position (GRCh38, 1-based): chr10:99,832,133, T>A. VCF-style: chr10-99832133-T-A. GRCh37 (hg19) VCF-style: chr10-101591890-T-A.
Other names: c.3258+2T>A (NM_000392.4).
Identifiers: ClinVar variation 2860878 (VCV002860878.4), dbSNP rs2038752283, ClinGen allele CA378122792.